The following is an entry in ClinVar:

ClinVar aggregate classification (germline): Uncertain significance (1 of 4 stars; one submission).

Conditions:
Inborn genetic diseases. Identifiers: MedGen C0950123, MeSH D030342.

Allele frequency attached by ClinVar (database versions not stated): gnomAD exomes below 0.00001.
gnomAD v4.1: 4 of 1,614,108 alleles (0.00025%); highest among the groups gnomAD compares: South Asian, 0.0033%; no homozygotes.

Submission:

Ambry Genetics
Classification: Uncertain significance for Inborn genetic diseases. Last evaluated: 2022-09-03. Review status: criteria provided, single submitter. Criteria: Ambry Variant Classification Scheme 2023. Collection method: clinical testing. Allele origin: germline.
Comment: The c.615G>T (p.W205C) alteration is located in exon 1 (coding exon 1) of the FLVCR2 gene. This alteration results from a G to T substitution at nucleotide position 615, causing the tryptophan (W) at amino acid position 205 to be replaced by a cysteine (C). Based on data from gnomAD, the T allele has an overall frequency of <0.001% (1/251098) total alleles studied. The highest observed frequency was 0.003% (1/30616) of South Asian alleles. This variant has been detected in a homozygous state in multiple fetuses with clinical features of proliferative vasculopathy and hydranencephaly-hydrocephaly syndrome (current proband / Ambry internal data; Houge, 2022). This amino acid position is highly conserved in available vertebrate species. This alteration is predicted to be deleterious by in silico analysis. Based on insufficient or conflicting evidence, the clinical significance of this alteration remains unclear.

Literature cited by the submitters: PubMed 33981013.

NM_017791.3(FLVCR2):c.615G>T (p.Trp205Cys)

Genes: FLVCR2 (FLVCR choline and putative heme transporter 2; plus strand), FLVCR2-AS1 (FLVCR2 antisense RNA 1; minus strand). Cytogenetic location: 14q24.3.
Variant type: single nucleotide variant.
Coding change: c.615G>T on transcript NM_017791.3 (MANE Select); coding-DNA position 615, G replaced by T.
Protein change: p.Trp205Cys; replaces tryptophan 205 with cysteine.
Molecular consequence: missense variant. On other transcripts: non-coding transcript variant (1).
Genome position (GRCh38, 1-based): chr14:75,579,587, G>T. VCF-style: chr14-75579587-G-T. GRCh37 (hg19) VCF-style: chr14-76045930-G-T.
Other names: short protein forms W205C.
Identifiers: ClinVar variation 2307593 (VCV002307593.2), dbSNP rs1394271295, ClinGen allele CA390448202.